The following is an entry in ClinVar:

NM_000065.5(C6):c.1937A>G (p.Gln646Arg)

Gene: C6 (complement C6; minus strand). Cytogenetic location: 5p13.1.
Variant type: single nucleotide variant.
Coding change: c.1937A>G on transcript NM_000065.5 (MANE Select); coding-DNA position 1937, A replaced by G.
Protein change: p.Gln646Arg; replaces glutamine 646 with arginine.
Molecular consequence: missense variant.
Genome position (GRCh38, 1-based): chr5:41,158,705, T>C on the plus strand (A>G on the coding strand, the complement: C6 is on the minus strand). VCF-style: chr5-41158705-T-C. GRCh37 (hg19) VCF-style: chr5-41158807-T-C.
Other names: c.1937A>G, p.Gln646Arg (NM_001115131.4); short protein forms Q646R.
Identifiers: ClinVar variation 1719255 (VCV001719255.6), dbSNP rs1747160758, ClinGen allele CA359596708.

ClinVar aggregate classification (germline): Uncertain significance. Review status: criteria provided, multiple submitters, no conflicts (2 of 4 stars). 2 submissions from 2 submitters: Uncertain significance (2). Last evaluated 2025-06-12.

Conditions:
Inborn genetic diseases. Identifiers: MedGen C0950123, MeSH D030342.

Allele frequency attached by ClinVar (database versions not stated): gnomAD exomes below 0.00001; TOPMed below 0.00001; gnomAD 0.00001.
gnomAD v4.1: 4 of 1,610,458 alleles (0.00025%); highest among the groups gnomAD compares: Non-Finnish European, 0.00034%; no homozygotes.

Submissions (2):

Ambry Genetics
Classification: Uncertain significance for Inborn genetic diseases. Last evaluated: 2025-06-12. Review status: criteria provided, single submitter. Criteria: Ambry Variant Classification Scheme 2023. Collection method: clinical testing. Allele origin: germline.

Labcorp Genetics (formerly Invitae), Labcorp
Classification: Uncertain significance. Last evaluated: 2022-11-13. Review status: criteria provided, single submitter. Criteria: Invitae Variant Classification Sherloc (09022015). Collection method: clinical testing. Allele origin: germline.
Comment: This sequence change replaces glutamine, which is neutral and polar, with arginine, which is basic and polar, at codon 646 of the C6 protein (p.Gln646Arg). This variant is not present in population databases (gnomAD no frequency). This variant has not been reported in the literature in individuals affected with C6-related conditions. Algorithms developed to predict the effect of missense changes on protein structure and function output the following: SIFT: "Tolerated"; PolyPhen-2: "Benign"; Align-GVGD: "Class C0". The arginine amino acid residue is found in multiple mammalian species, which suggests that this missense change does not adversely affect protein function. In summary, the available evidence is currently insufficient to determine the role of this variant in disease. Therefore, it has been classified as a Variant of Uncertain Significance.